The following is an entry in ClinVar:

ClinVar aggregate classification (germline): Uncertain significance. Review status: criteria provided, multiple submitters, no conflicts (2 of 4 stars). 3 submissions from 3 submitters: Uncertain significance (3). Last evaluated 2025-09-28.

Conditions:
Inborn genetic diseases. Identifiers: MedGen C0950123, MeSH D030342.

gnomAD v4.1: 7 of 1,614,206 alleles (0.00043%); highest among the groups gnomAD compares: African/African-American, 0.0053%; 1 homozygote.

Submissions (3):

Ambry Genetics
Classification: Uncertain significance for Inborn genetic diseases. Last evaluated: 2025-09-28. Review status: criteria provided, single submitter. Criteria: Ambry Variant Classification Scheme 2023. Collection method: clinical testing. Allele origin: germline.

Genetic Services Laboratory, University of Chicago
Classification: Uncertain significance. Last evaluated: 2020-10-23. Review status: criteria provided, single submitter. Criteria: ACMG Guidelines, 2015. Collection method: clinical testing. Allele origin: germline. Affected: no.
Comment: DNA sequence analysis of the DCDC2 gene demonstrated a sequence change, c.458C>G, in exon 4 that results in an amino acid change, p.Ala153Gly. This sequence change does not appear to have been previously described in patients with DCDC2-related disorders and has also not been described in population databases (gnomAD, ExAC). The p.Ala153Gly change affects a highly conserved amino acid residue located in a domain of the DCDC2 protein that is known to be functional. In-silico pathogenicity prediction tools (SIFT, PolyPhen2, Align GVGD, REVEL) provide contradictory results for the p.Ala153Gly substitution. Due to these contrasting evidences and the lack of functional studies, the clinical significance of the p.Ala153Gly change remains unknown at this time.

Blueprint Genetics
Classification: Uncertain significance. Last evaluated: 2020-04-20. Review status: criteria provided, single submitter. Criteria: ACMG Guidelines, 2015. Collection method: clinical testing. Allele origin: germline.

NM_016356.5(DCDC2):c.458C>G (p.Ala153Gly)

Gene: DCDC2 (doublecortin domain containing 2; minus strand). Cytogenetic location: 6p22.3.
Variant type: single nucleotide variant.
Coding change: c.458C>G on transcript NM_016356.5 (MANE Select); coding-DNA position 458, C replaced by G.
Protein change: p.Ala153Gly; replaces alanine 153 with glycine.
Molecular consequence: missense variant.
Genome position (GRCh38, 1-based): chr6:24,301,814, G>C on the plus strand (C>G on the coding strand, the complement: DCDC2 is on the minus strand). VCF-style: chr6-24301814-G-C. GRCh37 (hg19) VCF-style: chr6-24302042-G-C.
Other names: c.458C>G (NM_016356.3); c.458C>G, p.Ala153Gly (NM_001195610.2); short protein forms A153G.
Identifiers: ClinVar variation 1337755 (VCV001337755.6), dbSNP rs1759381127, ClinGen allele CA363281102.
Genomic context (GRCh38, chr6:24,301,814, plus strand): 5'-ACCATTTGTAGTACATGATCCCACTGATTCAAGGTTTTTCTGGGGATAAGGAGGCGAGAA[G>C]CTGGGTTTATGAGGTCTCCATTTGCAATCAAGCTGGAAAACAGGGGGCAAACCTTCTGAA-3'
Protein context (NP_057440.2, residues 143-163): LIANGDLINP[Ala153Gly]SRLLIPRKTL